The following is an entry in ClinVar:

ClinVar aggregate classification (germline): Likely benign. Review status: criteria provided, multiple submitters, no conflicts (2 of 4 stars). 2 submissions from 2 submitters: Likely benign (2). Last evaluated 2024-07-08.

Conditions:
Oligodontia-cancer predisposition syndrome. Also called: TOOTH AGENESIS-COLORECTAL CANCER SYNDROME. Identifiers: Orphanet 300576, MedGen C1837750, MONDO:0012075, OMIM 608615. Disease mechanism: loss of function.

gnomAD v4.1: 1 of 1,597,084 alleles (0.000063%); highest among the groups gnomAD compares: Non-Finnish European, 0.000085%; no homozygotes.

Submissions (2):

Myriad Genetics, Inc.
Classification: Likely benign for Oligodontia-cancer predisposition syndrome. Last evaluated: 2024-07-08. Review status: criteria provided, single submitter. Criteria: Myriad Autosomal Dominant, Autosomal Recessive and X-Linked Classification Criteria (2023). Collection method: clinical testing. Allele origin: unknown.
Comment: This variant is considered likely benign. This variant is intronic and is not expected to impact mRNA splicing.

Labcorp Genetics (formerly Invitae), Labcorp
Classification: Likely benign for Oligodontia-cancer predisposition syndrome. Last evaluated: 2022-07-14. Review status: criteria provided, single submitter. Criteria: Invitae Variant Classification Sherloc (09022015). Collection method: clinical testing. Allele origin: germline.

NM_004655.4(AXIN2):c.1713-18G>T

Gene: AXIN2 (axin 2; minus strand). Cytogenetic location: 17q24.1.
Variant type: single nucleotide variant.
Coding change: c.1713-18G>T on transcript NM_004655.4 (MANE Select); 18 bases into the intron before coding-DNA position 1713, G replaced by T.
Molecular consequence: intron variant.
Genome position (GRCh38, 1-based): chr17:65,537,081, C>A on the plus strand (G>T on the coding strand, the complement: AXIN2 is on the minus strand). VCF-style: chr17-65537081-C-A. GRCh37 (hg19) VCF-style: chr17-63533199-C-A.
Other names: c.1712+243G>T (NM_001363813.1).
Identifiers: ClinVar variation 1634314 (VCV001634314.9), dbSNP rs147664289, ClinGen allele CA2573154738.